The following is an entry in ClinVar:

NM_003227.4(TFR2):c.1470del (p.Glu491fs)

Gene: TFR2 (transferrin receptor 2; minus strand). Cytogenetic location: 7q22.1.
Variant type: Deletion.
Coding change: c.1470del on transcript NM_003227.4 (MANE Select); coding-DNA position 1470, one base deleted (A; older notation c.1470delA).
Protein change: p.Glu491fs; shifts the reading frame from glutamic acid 491.
Molecular consequence: frameshift variant.
Genome position (GRCh38, 1-based): chr7:100,628,227, T deleted on the plus strand (A on the coding strand, the reverse complement: TFR2 is on the minus strand). VCF-style (leftmost placement, unchanged base first): chr7-100628226-CT-C. GRCh37 (hg19) VCF-style: chr7-100225849-CT-C.
Other names: c.957del, p.Glu320fs (NM_001206855.3); c.1470delA (NM_003227.3); short protein forms E320fs, E491fs.
Identifiers: ClinVar variation 1926610 (VCV001926610.8), dbSNP rs2131313576, ClinGen allele CA2580076032.
Genomic context (GRCh38, chr7:100,628,226, plus strand): 5'-AACCCCCCACCCCCACCTCTCCCCAATGCCTAACGACCTGCCCGGGACCCCGTATCACCT[CT>C]AGCCACTCCGTGGAGCCCACGCTTCCAAAGTCACCACCGTCCCAGCTGATGAAGAGGAGA-3'

ClinVar aggregate classification (germline): Pathogenic/Likely pathogenic. Review status: criteria provided, multiple submitters, no conflicts (2 of 4 stars). 4 submissions from 4 submitters: Pathogenic (1); Likely pathogenic (3). Last evaluated 2024-08-15.

Conditions:
Hereditary hemochromatosis (HFE). Identifiers: MedGen C0392514, MONDO:0006507. Disease mechanism: loss of function.
Hemochromatosis type 3 (HFE3). Also called: TFR2-Related Hemochromatosis; HEMOCHROMATOSIS DUE TO DEFECT IN TRANSFERRIN RECEPTOR 2; Hereditary hemochromatosis type 3. Identifiers: Orphanet 225123, MedGen C1858664, MONDO:0011417, OMIM 604250.

Allele frequency attached by ClinVar (database versions not stated): 1000 Genomes Project 30x 0.00016; gnomAD exomes below 0.00001; gnomAD 0.00001.

Submissions (4):

Natera, Inc.
Classification: Likely pathogenic for Hereditary hemochromatosis type 3. Last evaluated: 2024-08-15. Review status: criteria provided, single submitter. Criteria: Natera Variant Classification Schema (03/2026). Collection method: clinical testing. Allele origin: germline.
Comment: The c.1470delA variant in TFR2 is a frameshift variant predicted to shift the reading frame beginning at codon 491 and leads to a stop codon 12 codons downstream. This variant is expected to result in nonsense mediated decay, truncation, or a dysfunctional protein product. This variant is rare in the general population with a frequency below the threshold expected for the associated phenotype(s). Given the available evidence, this variant is classified as Likely Pathogenic.

Fulgent Genetics
Classification: Likely pathogenic for Hemochromatosis type 3. Last evaluated: 2024-05-04. Review status: criteria provided, single submitter. Criteria: ACMG Guidelines, 2015. Collection method: clinical testing. Allele origin: germline.

Baylor Genetics
Classification: Likely pathogenic for Hemochromatosis type 3. Last evaluated: 2023-05-10. Review status: criteria provided, single submitter. Criteria: ACMG Guidelines, 2015. Collection method: clinical testing. Allele origin: unknown.

Labcorp Genetics (formerly Invitae), Labcorp
Classification: Pathogenic for Hereditary hemochromatosis. Last evaluated: 2022-12-16. Review status: criteria provided, single submitter. Criteria: Invitae Variant Classification Sherloc (09022015). Collection method: clinical testing. Allele origin: germline.
Comment: This sequence change creates a premature translational stop signal (p.Glu491Argfs*12) in the TFR2 gene. It is expected to result in an absent or disrupted protein product. Loss-of-function variants in TFR2 are known to be pathogenic (PMID: 23600741, 26029709). This variant is not present in population databases (gnomAD no frequency). This variant has not been reported in the literature in individuals affected with TFR2-related conditions. For these reasons, this variant has been classified as Pathogenic.

Literature cited by the submitters: PubMed 23600741 (cited by Labcorp Genetics (formerly Invitae), Labcorp); PubMed 26029709 (cited by Labcorp Genetics (formerly Invitae), Labcorp).